The following is an entry in ClinVar:

ClinVar aggregate classification (germline): Uncertain significance. Review status: criteria provided, multiple submitters, no conflicts (2 of 4 stars). 2 submissions from 2 submitters: Uncertain significance (2). Last evaluated 2026-08-24.

Conditions:
Renal cell carcinoma. Identifiers: Orphanet 217071, MedGen C0007134, MeSH D002292, MONDO:0005086, HP:0005584.
Hereditary cancer-predisposing syndrome. Also called: Hereditary Cancer Syndrome; Tumor predisposition; Neoplastic Syndromes, Hereditary; Hereditary neoplastic syndrome. Identifiers: Orphanet 140162, MedGen C0027672, MeSH D009386, MONDO:0015356.

Submissions (2):

Ambry Genetics
Classification: Uncertain significance for Hereditary cancer-predisposing syndrome. Last evaluated: 2026-08-24. Review status: criteria provided, single submitter. Criteria: Ambry Variant Classification Scheme 2023. Collection method: clinical testing. Allele origin: germline.
Comment: The p.D999H variant (also known as c.2995G>C), located in coding exon 13 of the MET gene, results from a G to C substitution at nucleotide position 2995. The aspartic acid at codon 999 is replaced by histidine, an amino acid with similar properties. This amino acid position is highly conserved in available vertebrate species. In addition, this alteration is predicted to be deleterious by in silico analysis. Based on the available evidence, the clinical significance of this variant remains unclear.

Labcorp Genetics (formerly Invitae), Labcorp
Classification: Uncertain significance for Renal cell carcinoma. Last evaluated: 2021-02-15. Review status: criteria provided, single submitter. Criteria: Invitae Variant Classification Sherloc (09022015). Collection method: clinical testing. Allele origin: germline.
Comment: In summary, the available evidence is currently insufficient to determine the role of this variant in disease. Therefore, it has been classified as a Variant of Uncertain Significance. Algorithms developed to predict the effect of missense changes on protein structure and function are either unavailable or do not agree on the potential impact of this missense change (SIFT: "Deleterious"; PolyPhen-2: "Probably Damaging"; Align-GVGD: "Class C0"). This variant has not been reported in the literature in individuals with MET-related conditions. This variant is not present in population databases (ExAC no frequency). This sequence change replaces aspartic acid with histidine at codon 999 of the MET protein (p.Asp999His). The aspartic acid residue is highly conserved and there is a moderate physicochemical difference between aspartic acid and histidine.

NM_000245.4(MET):c.2941G>C (p.Asp981His)

Gene: MET (MET proto-oncogene, receptor tyrosine kinase; plus strand). Cytogenetic location: 7q31.2.
Variant type: single nucleotide variant.
Coding change: c.2941G>C on transcript NM_000245.4 (MANE Select); coding-DNA position 2941, G replaced by C.
Protein change: p.Asp981His; replaces aspartic acid 981 with histidine.
Molecular consequence: missense variant.
Genome position (GRCh38, 1-based): chr7:116,771,902, G>C. VCF-style: chr7-116771902-G-C. GRCh37 (hg19) VCF-style: chr7-116411956-G-C.
Other names: c.2995G>C (NM_001127500.1); c.2995G>C, p.Asp999His (NM_001127500.3); c.1651G>C, p.Asp551His (NM_001324402.2); short protein forms D981H, D551H, D999H.
Identifiers: ClinVar variation 1510656 (VCV001510656.10), dbSNP rs1794847447, ClinGen allele CA368987130.